The following is an entry in ClinVar:

ClinVar aggregate classification (germline): Benign (1 of 4 stars; one submission).

Conditions:
Agenesis of the corpus callosum with peripheral neuropathy (ACCPN). Also called: CHARLEVOIX DISEASE; POLYNEUROPATHY, SENSORIMOTOR, WITH OR WITHOUT AGENESIS OF THE CORPUS CALLOSUM; HMSN/ACC; Hereditary Motor and Sensory Neuropathy with Agenesis of the Corpus Callosum. Identifiers: Orphanet 1496, MedGen C0795950, MONDO:0000902, OMIM 218000. Disease mechanism: loss of function.

Allele frequency attached by ClinVar (database versions not stated): 1000 Genomes Project 30x 0.94379; 1000 Genomes Project 0.94569; TOPMed 0.94804; gnomAD 0.95051 and 0.95371; gnomAD exomes 1.00000.
gnomAD v4.1: 145,213 of 152,196 alleles (95%); highest among the groups gnomAD compares: East Asian, 100%; 69,663 homozygotes.

Submission:

Illumina Laboratory Services, Illumina
Classification: Benign for Agenesis of the corpus callosum with peripheral neuropathy. Last evaluated: 2018-01-13. Review status: criteria provided, single submitter. Criteria: ICSL Variant Classification Criteria 13 December 2019. Collection method: clinical testing. Allele origin: germline.
Comment: This variant was observed in the ICSL laboratory as part of a predisposition screen in an ostensibly healthy population. It had not been previously curated by ICSL or reported in the Human Gene Mutation Database (HGMD: prior to June 1st, 2018), and was therefore a candidate for classification through an automated scoring system. Utilizing variant allele frequency, disease prevalence and penetrance estimates, and inheritance mode, an automated score was calculated to assess if this variant is too frequent to cause the disease. Based on the score and internal cut-off values, a variant classified as benign is not then subjected to further curation. The score for this variant resulted in a classification of benign for this disease.

NM_001365088.1(SLC12A6):c.*1492T>C

Gene: SLC12A6 (solute carrier family 12 member 6; minus strand). Cytogenetic location: 15q14.
Variant type: single nucleotide variant.
Coding change: c.*1492T>C on transcript NM_001365088.1 (MANE Select); 1492 bases downstream of the stop codon, T replaced by C.
Molecular consequence: 3 prime UTR variant.
Genome position (GRCh38, 1-based): chr15:34,232,389, A>G on the plus strand (T>C on the coding strand, the complement: SLC12A6 is on the minus strand). VCF-style: chr15-34232389-A-G. GRCh37 (hg19) VCF-style: chr15-34524590-A-G.
Other names: c.*1492T>C (NM_001042494.2, NM_001042495.2, NM_001042496.2 and 3 more transcripts).
Identifiers: ClinVar variation 315587 (VCV000315587.5), dbSNP rs6495640, ClinGen allele CA10646779.
Genomic context (GRCh38, chr15:34,232,389, plus strand): 5'-ATGATCCTCCTGCCTTAGCCTTCCGTGTTGCTGGGATCACAGGCATGCACCACCATGCCC[A>G]GCTAATTTTTGTATTTTTAGTATAGACAGGTTTTCACCATGTTGGCCAGGATGGTCTCGA-3'